The following is an entry in ClinVar:

NM_003024.3(ITSN1):c.131C>G (p.Ala44Gly)

Gene: ITSN1 (intersectin 1; plus strand). Cytogenetic location: 21q22.11.
Variant type: single nucleotide variant.
Coding change: c.131C>G on transcript NM_003024.3 (MANE Select); coding-DNA position 131, C replaced by G.
Protein change: p.Ala44Gly; replaces alanine 44 with glycine.
Molecular consequence: missense variant.
Genome position (GRCh38, 1-based): chr21:33,722,597, C>G. VCF-style: chr21-33722597-C-G. GRCh37 (hg19) VCF-style: chr21-35094902-C-G.
Other names: c.131C>G, p.Ala44Gly (NM_001001132.2, NM_001331008.2, NM_001331009.2 and 3 more transcripts); short protein forms A44G.
Identifiers: ClinVar variation 3600677 (VCV003600677.1).
Genomic context (GRCh38, chr21:33,722,597, plus strand): 5'-AGCTGTTGTTTTTTTTTTTTTTTCCTGAAACTTTTTCTGTTTAATTTACAGGTGATCAAG[C>G]TAGAAACTTTTTTTTTCAATCTGGGTTACCTCAACCTGTTTTAGCACAGATATGGTAAGT-3'
Protein context (NP_003015.2, residues 34-54): PISGFITGDQ[Ala44Gly]RNFFFQSGLP

ClinVar aggregate classification (germline): Uncertain significance (1 of 4 stars; one submission).

gnomAD v4.1: 6 of 1,554,052 alleles (0.00039%); highest among the groups gnomAD compares: Non-Finnish European, 0.00052%; no homozygotes.

Submission:

GeneDx
Classification: Uncertain significance. Last evaluated: 2024-07-23. Review status: criteria provided, single submitter. Criteria: GeneDx Variant Classification Process June 2021. Collection method: clinical testing. Allele origin: germline. Affected: yes.
Comment: Not observed at significant frequency in large population cohorts (gnomAD); In silico analysis supports that this missense variant has a deleterious effect on protein structure/function; Has not been previously published as pathogenic or benign to our knowledge